The following is an entry in ClinVar:

ClinVar aggregate classification (germline): Uncertain significance (1 of 4 stars; one submission).

Conditions:
Hereditary cancer-predisposing syndrome. Also called: Neoplastic Syndromes, Hereditary; Tumor predisposition; Hereditary neoplastic syndrome; Hereditary Cancer Syndrome. Identifiers: Orphanet 140162, MedGen C0027672, MeSH D009386, MONDO:0015356.

Submission:

Ambry Genetics
Classification: Uncertain significance for Hereditary cancer-predisposing syndrome. Last evaluated: 2026-09-03. Review status: criteria provided, single submitter. Criteria: Ambry Variant Classification Scheme 2023. Collection method: clinical testing. Allele origin: germline.
Comment: The p.M184K variant (also known as c.551T>A), located in coding exon 5 of the APC gene, results from a T to A substitution at nucleotide position 551. The methionine at codon 184 is replaced by lysine, an amino acid with similar properties. This amino acid position is highly conserved in available vertebrate species. Missense variants in APC are not a common cause of disease (Spier I et al. Genet Med. 2024 Feb;26(2):100992). Based on the available evidence, the clinical significance of this variant remains unclear.

NM_000038.6(APC):c.551T>A (p.Met184Lys)

Gene: APC (APC regulator of Wnt signaling pathway; plus strand). Cytogenetic location: 5q22.2.
Variant type: single nucleotide variant.
Coding change: c.551T>A on transcript NM_000038.6 (MANE Select); coding-DNA position 551, T replaced by A.
Protein change: p.Met184Lys; replaces methionine 184 with lysine.
Molecular consequence: missense variant. On other transcripts: 5 prime UTR variant (4), non-coding transcript variant (2).
Genome position (GRCh38, 1-based): chr5:112,780,809, T>A. VCF-style: chr5-112780809-T-A. GRCh37 (hg19) VCF-style: chr5-112116506-T-A.
Other names: c.551T>A, p.Met184Lys (NM_001407452.1, NM_001407454.1, NM_001407455.1 and 16 more transcripts); c.374T>A, p.Met125Lys (NM_001407453.1, NM_001354900.2, NM_001354901.2 and 1 more transcripts); c.476T>A, p.Met159Lys (NM_001407451.1, NM_001354898.2, NM_001354904.2); c.581T>A, p.Met194Lys (NM_001127511.3, NM_001354897.2, NM_001354902.2 and 1 more transcripts); c.-485T>A (NM_001354906.2, NM_001407470.1, NM_001407471.1 and 1 more transcripts); short protein forms M125K, M194K, M184K, M159K.
Identifiers: ClinVar variation 5025931 (VCV005025931.1).